The following is an entry in ClinVar:

ClinVar aggregate classification (germline): Conflicting classifications of pathogenicity. Review status: criteria provided, conflicting classifications (1 of 4 stars). 9 submissions from 9 submitters: Uncertain significance (5); Likely benign (4). Last evaluated 2026-04-27.

Conditions:
DSG2-related disorder. Also called: DSG2-related condition.
Cardiovascular phenotype. Identifiers: MedGen CN230736.
Arrhythmogenic right ventricular dysplasia 10. Also called: Arrhythmogenic right ventricular dysplasia/cardiomyopathy, type 10; Arrhythmogenic Right Ventricular Dysplasia/Cardiomyopathy10; ARRHYTHMOGENIC RIGHT VENTRICULAR DYSPLASIA, FAMILIAL, 10. Identifiers: MedGen C1857777, MONDO:0012434, OMIM 610193.
Dilated cardiomyopathy 1BB (CMD1BB). Also called: CARDIOMYOPATHY, DILATED, 1BB, SUSCEPTIBILITY TO. Identifiers: Orphanet 154, MedGen C2752072, MONDO:0013030, OMIM 612877.
Arrhythmogenic right ventricular cardiomyopathy (ARVD). Also called: Cardiomyopathy, ARVC; Arrhythmogenic right ventricular dysplasia; Arrhythmogenic Right Ventricular Cardiomyopathy (ARVC); Arrhythmogenic cardiomyopathy. Identifiers: Orphanet 247, MedGen C0349788, MeSH D019571, MONDO:0016587. Disease mechanism: loss of function. Inheritance: Various modes of inheritance.
Cardiomyopathy (CMYO). Also called: Cardiomyopathies. Identifiers: Orphanet 167848, MedGen C0878544, MONDO:0004994, HP:0001638. Inheritance: Various modes of inheritance.

Allele frequency attached by ClinVar (database versions not stated): gnomAD exomes 0.00003; ExAC 0.00004; gnomAD 0.00008 and 0.00009; TOPMed 0.00011.

Submissions (9):

Women's Health and Genetics/Laboratory Corporation of America, LabCorp
Classification: Likely benign. Last evaluated: 2026-04-27. Review status: criteria provided, single submitter. Criteria: LabCorp Variant Classification Summary - May 2015. Collection method: clinical testing. Allele origin: germline.
Comment: Variant summary: DSG2 c.2096G>T (p.Ser699Ile) results in a non-conservative amino acid change in the encoded protein sequence. Algorithms developed to predict the effect of missense changes on protein structure and function are either unavailable or do not agree on the potential impact of this missense change. The variant allele was found at a frequency of 3e-05 in 1607092 control chromosomes, predominantly at a frequency of 0.00051 within the African or African-American subpopulation in the gnomAD database. The observed variant frequency within African or African-American control individuals in the gnomAD database exceeds the estimated maximal expected allele frequency for disease-causing variants in DSG2. c.2096G>T has been observed in individual(s) affected with Cardiomyopathy (e.g. Goli_2021). These report(s) do not provide unequivocal conclusions about association of the variant with Cardiomyopathy. To our knowledge, no experimental evidence demonstrating an impact on protein function has been reported. The following publication has been ascertained in the context of this evaluation (PMID: 33874732). ClinVar contains an entry for this variant (Variation ID: 179294). Based on the evidence outlined above, the variant was classified as likely benign.

Labcorp Genetics (formerly Invitae), Labcorp
Classification: Uncertain significance for Arrhythmogenic right ventricular dysplasia 10. Last evaluated: 2026-01-21. Review status: criteria provided, single submitter. Criteria: Invitae Variant Classification Sherloc (09022015). Collection method: clinical testing. Allele origin: germline.
Comment: This sequence change replaces serine, which is neutral and polar, with isoleucine, which is neutral and non-polar, at codon 699 of the DSG2 protein (p.Ser699Ile). This variant is present in population databases (rs727504770, gnomAD 0.03%). This variant has not been reported in the literature in individuals affected with DSG2-related conditions. ClinVar contains an entry for this variant (Variation ID: 179294). Invitae Evidence Modeling of protein sequence and biophysical properties (such as structural, functional, and spatial information, amino acid conservation, physicochemical variation, residue mobility, and thermodynamic stability) indicates that this missense variant is not expected to disrupt DSG2 protein function with a negative predictive value of 95%. In summary, the available evidence is currently insufficient to determine the role of this variant in disease. Therefore, it has been classified as a Variant of Uncertain Significance.

Color Diagnostics, LLC DBA Color Health
Classification: Likely benign for Cardiomyopathy. Last evaluated: 2025-07-22. Review status: criteria provided, single submitter. Criteria: ACMG Guidelines, 2015. Collection method: clinical testing. Allele origin: germline.

PreventionGenetics, part of Exact Sciences
Classification: Uncertain significance for DSG2-related condition. Last evaluated: 2024-11-27. Review status: criteria provided, single submitter. Criteria: ACMG Guidelines, 2015. Collection method: clinical testing. Allele origin: germline.
Comment: The DSG2 c.2096G>T variant is predicted to result in the amino acid substitution p.Ser699Ile. To our knowledge, this variant has not been reported in the literature. This variant is reported in 0.032% of alleles in individuals of African descent in gnomAD. At this time, the clinical significance of this variant is uncertain due to the absence of conclusive functional and genetic evidence.

Blueprint Genetics
Classification: Likely benign. Last evaluated: 2024-08-26. Review status: criteria provided, single submitter. Criteria: ACMG Guidelines, 2015. Collection method: clinical testing. Allele origin: germline.

All of Us Research Program, National Institutes of Health
Classification: Uncertain significance for Arrhythmogenic right ventricular cardiomyopathy. Last evaluated: 2024-02-22. Review status: criteria provided, single submitter. Criteria: ACMG Guidelines, 2015. Collection method: clinical testing. Allele origin: germline. Inheritance: Autosomal dominant inheritance. Observed: 8 variant alleles, 8 heterozygotes.
Comment: This missense variant replaces serine with isoleucine at codon 699 of the DSG2 protein. Computational prediction suggests that this variant may not impact protein structure and function (internally defined REVEL score threshold <= 0.5, PMID: 27666373). To our knowledge, functional studies have not been reported for this variant. This variant has not been reported in individuals affected with cardiovascular disorders in the literature. This variant has been identified in 7/249438 chromosomes in the general population by the Genome Aggregation Database (gnomAD). The available evidence is insufficient to determine the role of this variant in disease conclusively. Therefore, this variant is classified as a Variant of Uncertain Significance.

This study involves interpretation of variants in research participants for the purpose of population health screening. Participant phenotype was not available at the time of variant classification. Additional details can be found in publication PMID: 35346344, PMCID: PMC8962531

Ambry Genetics
Classification: Likely benign for Cardiovascular phenotype. Last evaluated: 2022-12-08. Review status: criteria provided, single submitter. Criteria: Ambry Variant Classification Scheme 2023. Collection method: clinical testing. Allele origin: germline.

Fulgent Genetics
Classification: Uncertain significance for Arrhythmogenic right ventricular dysplasia 10; Dilated cardiomyopathy 1BB. Last evaluated: 2021-07-26. Review status: criteria provided, single submitter. Criteria: ACMG Guidelines, 2015. Collection method: clinical testing. Allele origin: unknown.

Laboratory for Molecular Medicine, Mass General Brigham Personalized Medicine
Classification: Uncertain significance. Last evaluated: 2018-12-03. Review status: criteria provided, single submitter. Criteria: LMM Criteria. Collection method: clinical testing. Allele origin: germline. Observed: 1 variant allele.
Comment: proposed classification - variant undergoing re-assessment, contact laboratory

Literature cited by the submitters: PubMed 33874732 (cited by Women's Health and Genetics/Laboratory Corporation of America, LabCorp).

NM_001943.5(DSG2):c.2096G>T (p.Ser699Ile)

Genes: DSG2 (desmoglein 2; plus strand), DSG2-AS1 (DSG2 antisense RNA 1; minus strand). Cytogenetic location: 18q12.1.
Variant type: single nucleotide variant.
Coding change: c.2096G>T on transcript NM_001943.5 (MANE Select); coding-DNA position 2096, G replaced by T.
Protein change: p.Ser699Ile; replaces serine 699 with isoleucine.
Molecular consequence: missense variant.
Genome position (GRCh38, 1-based): chr18:31,542,614, G>T. VCF-style: chr18-31542614-G-T. GRCh37 (hg19) VCF-style: chr18-29122577-G-T.
Other names: short protein forms S699I.
Identifiers: ClinVar variation 179294 (VCV000179294.26), dbSNP rs727504770, ClinGen allele CA021657.
Genomic context (GRCh38, chr18:31,542,614, plus strand): 5'-GCAGTCTAGTAGGAAGAAATGGAGTAGGAGGTATGGCCAAGGAAGCCACGATGAAAGGAA[G>T]TAGCTCTGCTTCCATTGTCAAAGGGCAACATGAGATGTCCGAGATGGATGGAAGGTGGGA-3'
Protein context (NP_001934.2, residues 689-709): GMAKEATMKG[Ser699Ile]SSASIVKGQH